The following is an entry in ClinVar:

NM_015335.5(MED13L):c.2013-9dup

Gene: MED13L (mediator complex subunit 13L; minus strand). Cytogenetic location: 12q24.21.
Variant type: Duplication.
Coding change: c.2013-9dup on transcript NM_015335.5 (MANE Select); 9 bases into the intron before coding-DNA position 2013, one base duplicated (G; older notation c.2013-9dupG).
Molecular consequence: intron variant.
Genome position (GRCh38, 1-based): chr12:116,007,645, C duplicated on the plus strand (G on the coding strand, the reverse complement: MED13L is on the minus strand). VCF-style (leftmost placement, unchanged base first): chr12-116007644-A-AC. GRCh37 (hg19) VCF-style: chr12-116445449-A-AC.
Other names: c.2013-9dupG (NM_015335.4).
Identifiers: ClinVar variation 2971110 (VCV002971110.5), dbSNP rs745375003, ClinGen allele CA6811286.

ClinVar aggregate classification (germline): Likely benign. Review status: criteria provided, single submitter (1 of 4 stars). 2 submissions from 2 submitters: Likely benign (1). 1 of the submissions does not count toward it. Last evaluated 2023-12-01.

Conditions:
MED13L-related disorder. Also called: MED13L-related condition.
Dextro-looped transposition of the great arteries. Also called: Dextrotransposition of the great arteries. Identifiers: Orphanet 860, MedGen C3531771, MONDO:0019443, OMIM 608808, HP:0031348.

Allele frequency attached by ClinVar (database versions not stated): ExAC 0.00003; gnomAD exomes 0.00003; gnomAD 0.00066.

Submissions (2):

Labcorp Genetics (formerly Invitae), Labcorp
Classification: Likely benign for Dextro-looped transposition of the great arteries. Last evaluated: 2023-12-01. Review status: criteria provided, single submitter. Criteria: Invitae Variant Classification Sherloc (09022015). Collection method: clinical testing. Allele origin: germline.

PreventionGenetics, part of Exact Sciences
Classification: Likely benign for MED13L-related condition. Last evaluated: 2019-06-07. Review status: no assertion criteria provided. Collection method: clinical testing. Allele origin: germline. Not counted in ClinVar's aggregate classification.
Comment: This variant is classified as likely benign based on ACMG/AMP sequence variant interpretation guidelines (Richards et al. 2015 PMID: 25741868, with internal and published modifications).